The following is an entry in ClinVar:

ClinVar aggregate classification (germline): Uncertain significance (1 of 4 stars; one submission).

Submission:

Labcorp Genetics (formerly Invitae), Labcorp
Classification: Uncertain significance. Last evaluated: 2020-05-11. Review status: criteria provided, single submitter. Criteria: Invitae Variant Classification Sherloc (09022015). Collection method: clinical testing. Allele origin: germline.
Comment: In summary, the available evidence is currently insufficient to determine the role of this variant in disease. Therefore, it has been classified as a Variant of Uncertain Significance. Experimental studies and prediction algorithms are not available or were not evaluated, and the functional significance of this variant is currently unknown. This variant has not been reported in the literature in individuals with GDF1-related conditions. This variant is not present in population databases (ExAC no frequency). This variant, c.1040_1051dup, results in the insertion of 4 amino acid(s) to the GDF1 protein (p.Val347_Phe350dup), but otherwise preserves the integrity of the reading frame.

NM_001492.6(GDF1):c.1040_1051dup (p.Phe350_Asp351insValLeuPhePhe)

Genes: CERS1 (ceramide synthase 1; minus strand), GDF1 (growth differentiation factor 1; minus strand). Cytogenetic location: 19p13.11.
Variant type: Duplication.
Coding change: c.1040_1051dup on transcript NM_001492.6 (MANE Select); coding-DNA positions 1040 to 1051, 12 bases duplicated (TGCTCTTCTTTG).
Protein change: p.Phe350_Asp351insValLeuPhePhe.
Molecular consequence: inframe insertion. On other transcripts: 3 prime UTR variant (2).
Genome position (GRCh38, 1-based): chr19:18,868,665-18,868,676, CAAAGAAGAGCA duplicated on the plus strand (TGCTCTTCTTTG on the coding strand, the reverse complement: GDF1 is on the minus strand); duplicating any 12 consecutive bases within chr19:18,868,665-18,868,677 gives the same sequence; the c. name uses the placement nearest the transcript's 3' end. VCF-style (leftmost placement, unchanged base first): chr19-18868664-T-TCAAAGAAGAGCA. GRCh37 (hg19) VCF-style: chr19-18979473-T-TCAAAGAAGAGCA.
Other names: c.*1901_*1912dup (NM_001387440.1); c.*1309_*1320dup (NM_021267.5); c.1040_1051dup, p.Phe350_Asp351insValLeuPhePhe (NM_001387438.1).
Identifiers: ClinVar variation 998691 (VCV000998691.9), dbSNP rs1568289321, ClinGen allele CA632627109.